The following is an entry in ClinVar:

NM_000548.5(TSC2):c.848+8_848+9del

Gene: TSC2 (TSC complex subunit 2; plus strand). Cytogenetic location: 16p13.3.
Variant type: Microsatellite.
Coding change: c.848+8_848+9del on transcript NM_000548.5 (MANE Select); bases 8 to 9 of the intron after coding-DNA position 848, 2 bases deleted (TG; older notation c.848+8_848+9delTG).
Molecular consequence: intron variant.
Genome position (GRCh38, 1-based): chr16:2,057,186-2,057,187, TG deleted; deleting any 2 consecutive bases within chr16:2,057,183-2,057,187 gives the same sequence; the c. name uses the placement nearest the transcript's 3' end. VCF-style (leftmost placement, unchanged base first): chr16-2057182-AGT-A. GRCh37 (hg19) VCF-style: chr16-2107183-AGT-A.
Other names: c.848+8_848+9del (NM_001114382.3, NM_021055.3, NM_001370405.1 and 3 more transcripts); c.737+8_737+9del (NM_001318827.2); c.248+8_248+9del (NM_001318831.2); c.701+8_701+9del (NM_001318829.2); c.881+8_881+9del (NM_001318832.2).
Identifiers: ClinVar variation 1569314 (VCV001569314.9), dbSNP rs2151088282, ClinGen allele CA2580612715.

ClinVar aggregate classification (germline): Likely benign. Review status: criteria provided, multiple submitters, no conflicts (2 of 4 stars). 2 submissions from 2 submitters: Likely benign (2). Last evaluated 2025-12-14.

Conditions:
Tuberous sclerosis 2 (TSC2). Identifiers: Orphanet 805, MedGen C1860707, MONDO:0013199, OMIM 613254.

Submissions (2):

Labcorp Genetics (formerly Invitae), Labcorp
Classification: Likely benign for Tuberous sclerosis 2. Last evaluated: 2025-12-14. Review status: criteria provided, single submitter. Criteria: Invitae Variant Classification Sherloc (09022015). Collection method: clinical testing. Allele origin: germline.

Myriad Genetics, Inc.
Classification: Likely benign for Tuberous sclerosis 2. Last evaluated: 2025-05-12. Review status: criteria provided, single submitter. Criteria: Myriad Autosomal Dominant, Autosomal Recessive and X-Linked Classification Criteria (2023). Collection method: clinical testing. Allele origin: unknown.
Comment: This variant is considered likely benign. This variant is intronic and is not expected to impact mRNA splicing.